The following is an entry in ClinVar:

NM_000372.5(TYR):c.302G>A (p.Gly101Glu)

Gene: TYR (tyrosinase; plus strand). Cytogenetic location: 11q14.3.
Variant type: single nucleotide variant.
Coding change: c.302G>A on transcript NM_000372.5 (MANE Select); coding-DNA position 302, G replaced by A.
Protein change: p.Gly101Glu; replaces glycine 101 with glutamic acid.
Molecular consequence: missense variant.
Genome position (GRCh38, 1-based): chr11:89,178,255, G>A. VCF-style: chr11-89178255-G-A. GRCh37 (hg19) VCF-style: chr11-88911423-G-A.
Other names: short protein forms G101E.
Identifiers: ClinVar variation 4077117 (VCV004077117.1).

ClinVar aggregate classification (germline): Likely pathogenic (1 of 4 stars; one submission).

Conditions:
Oculocutaneous albinism type 1B (OCA1B). Also called: ALBINISM, OCULOCUTANEOUS, TYPE IB; ALBINISM, YELLOW MUTANT TYPE; YELLOW ALBINISM. Identifiers: Orphanet 352731, Orphanet 352737, Orphanet 79434, MedGen C1847024, MONDO:0011749, OMIM 606952.
Oculocutaneous albinism type 1A (OCA1A). Also called: Albinism, oculocutaneous, type IA. Identifiers: Orphanet 352731, Orphanet 79431, MedGen C4551504, MONDO:0008745, OMIM 203100. Disease mechanism: loss of function.

Submission:

Laboratory of Genetic Epidemiology, Research Centre for Medical Genetics
Classification: Likely pathogenic for Oculocutaneous albinism type 1A; Oculocutaneous albinism type 1B. Last evaluated: 2025-01-01. Review status: criteria provided, single submitter. Criteria: ACMG Guidelines, 2015. Collection method: clinical testing. Allele origin: unknown. Inheritance: Autosomal recessive inheritance. Affected: yes. Observed: 1 heterozygote.
Comment: This variant has not been previously described and is not listed in gnomAD v3.1.2. The affected amino acid position is evolutionarily conserved and located in CxxC-motif, which is important for correct protein folding (PMID: 12028580). Multiple in silico prediction tools support a deleterious effect. Taken together, the variant meets the following ACMG/AMP criteria and can be classified as likely pathogenic with PS4, PM2, PM1, PP4 criteria.

Literature cited by the submitters: PubMed 12028580; PubMed 41428507.